The following is an entry in ClinVar:

NM_015046.7(SETX):c.3029G>A (p.Arg1010His)

Gene: SETX (senataxin; minus strand). Cytogenetic location: 9q34.13.
Variant type: single nucleotide variant.
Coding change: c.3029G>A on transcript NM_015046.7 (MANE Select); coding-DNA position 3029, G replaced by A.
Protein change: p.Arg1010His; replaces arginine 1010 with histidine.
Molecular consequence: missense variant.
Genome position (GRCh38, 1-based): chr9:132,328,569, C>T on the plus strand (G>A on the coding strand, the complement: SETX is on the minus strand). VCF-style: chr9-132328569-C-T. GRCh37 (hg19) VCF-style: chr9-135203956-C-T.
Other names: c.3029G>A, p.Arg1010His (NM_001351527.2, NM_001351528.2); short protein forms R1010H.
Identifiers: ClinVar variation 452684 (VCV000452684.19), dbSNP rs370781594, ClinGen allele CA5297494.

ClinVar aggregate classification (germline): Conflicting classifications of pathogenicity. Review status: criteria provided, conflicting classifications (1 of 4 stars). 7 submissions from 7 submitters: Uncertain significance (3); Likely benign (3). 1 of the submissions does not count toward it. Last evaluated 2025-12-01.

Conditions:
Spinocerebellar ataxia, autosomal recessive, with axonal neuropathy 2 (SCAN2). Also called: ATAXIA-OCULOMOTOR APRAXIA 2; Ataxia with Oculomotor Apraxia Type 2; Ataxia-ocular apraxia-2; Ataxia with Oculomotor Apraxia. Identifiers: Orphanet 64753, MedGen C1853761, MONDO:0018996, OMIM 606002.
Amyotrophic lateral sclerosis type 4 (ALS4). Also called: AMYOTROPHIC LATERAL SCLEROSIS 4, JUVENILE; NEURONOPATHY, DISTAL HEREDITARY MOTOR, WITH PYRAMIDAL FEATURES. Identifiers: Orphanet 357043, MedGen C1865409, MONDO:0011223, OMIM 602433.
Inborn genetic diseases. Identifiers: MedGen C0950123, MeSH D030342.
SETX-related disorder. Also called: SETX-related condition; SETX-related disorders. Identifiers: MedGen CN239403.

Allele frequency attached by ClinVar (database versions not stated): gnomAD 0.00004 and 0.00007; TOPMed 0.00006; ExAC 0.00012; gnomAD exomes 0.00014; ESP Exome Variant Server 0.00015.
gnomAD v4.1: 207 of 1,613,848 alleles (0.013%); highest among the groups gnomAD compares: South Asian, 0.088%; no homozygotes.

Submissions (7):

Labcorp Genetics (formerly Invitae), Labcorp
Classification: Likely benign for Amyotrophic lateral sclerosis type 4; Spinocerebellar ataxia, autosomal recessive, with axonal neuropathy 2. Last evaluated: 2025-12-01. Review status: criteria provided, single submitter. Criteria: Invitae Variant Classification Sherloc (09022015). Collection method: clinical testing. Allele origin: germline.

Women's Health and Genetics/Laboratory Corporation of America, LabCorp
Classification: Likely benign. Last evaluated: 2025-11-03. Review status: criteria provided, single submitter. Criteria: LabCorp Variant Classification Summary - May 2015. Collection method: clinical testing. Allele origin: germline.
Comment: Variant summary: SETX c.3029G>A (p.Arg1010His) results in a non-conservative amino acid change in the encoded protein sequence. Algorithms developed to predict the effect of missense changes on protein structure and function are either unavailable or do not agree on the potential impact of this missense change. The variant allele was found at a frequency of 0.00014 in 250952 control chromosomes (gnomAD). The observed variant frequency exceeds the estimated maximal expected allele frequency for disease-causing variants in SETX. c.3029G>A has been reported in the literature in individuals affected with Amyotrophic Lateral Sclerosis Type 4 (Zhang_2018, Mesaros_2021). These reports do not provide unequivocal conclusions about association of the variant with Amyotrophic Lateral Sclerosis Type 4. To our knowledge, no experimental evidence demonstrating an impact on protein function has been reported. The following publications have been ascertained in the context of this evaluation (PMID: 35052416, 30220148). ClinVar contains an entry for this variant (Variation ID: 452684). Based on the evidence outlined above, the variant was classified as likely benign.

Ambry Genetics
Classification: Uncertain significance for Inborn genetic diseases. Last evaluated: 2021-01-15. Review status: criteria provided, single submitter. Criteria: Ambry Variant Classification Scheme 2023. Collection method: clinical testing. Allele origin: germline.
Comment: The p.R1010H variant (also known as c.3029G>A), located in coding exon 8 of the SETX gene, results from a G to A substitution at nucleotide position 3029. The arginine at codon 1010 is replaced by histidine, an amino acid with highly similar properties. This variant was detected in an amyotrophic lateral sclerosis (ALS) cohort; however, clinical details were limited (Zhang H et al. Amyotroph Lateral Scler Frontotemporal Degene, 2018 08;19:419-425). This amino acid position is poorly conserved in available vertebrate species. In addition, this alteration is predicted to be tolerated by in silico analysis. Based on the supporting evidence, this variant is unlikely to be causative of autosomal dominant juvenile amyotrophic lateral sclerosis 4 (ALS4); however, its contribution to the development of autosomal recessive spinocerebellar ataxia with axonal neuropathy 2 (SCAN2) is uncertain.

Athena Diagnostics
Classification: Likely benign. Last evaluated: 2020-10-15. Review status: criteria provided, single submitter. Criteria: Athena Diagnostics criteria. Collection method: clinical testing. Allele origin: unknown.

GeneDx
Classification: Uncertain significance. Last evaluated: 2017-10-16. Review status: criteria provided, single submitter. Criteria: GeneDx Variant Classification (06012015). Collection method: clinical testing. Allele origin: germline. Affected: yes.
Comment: The R1010H variant in the SETX gene has not been reported previously as a pathogenic variant, nor as a benign variant, to our knowledge. The R1010H variant is observed in 26/30718 (0.08%) alleles from individuals of South Asian background, in the ExAC dataset, and no individuals were reported to be homozygous (Lek et al., 2016). The R1010H variant is a conservative amino acid substitution, which is not likely to impact secondary protein structure as these residues share similar properties. This substitution occurs at a position that is not conserved. In silico analysis predicts this variant likely does not alter the protein structure/function. We interpret R1010H as a variant of uncertain significance.

Neuberg Centre For Genomic Medicine, NCGM
Classification: Uncertain significance for Amyotrophic lateral sclerosis type 4. Review status: criteria provided, single submitter. Criteria: ACMG Guidelines, 2015. Collection method: clinical testing. Allele origin: germline. Inheritance: Autosomal dominant inheritance. Affected: yes.
Comment: The missense variant c.3029G>A (p.Arg1010His) in the SETX gene has not been reported previously as a pathogenic variant nor as a benign variant, to our knowledge. This variant is reported with the allele frequency (0.01%) in the gnomAD Exomes. This variant has been reported to the ClinVar database as Likely benign/ Uncertain Significance. However, no details are available for independent assessment. The amino acid Arginine at position 1010 is changed to a Histidine changing protein sequence and it might alter its composition and physico- chemical properties. Computational evidence (Polyphen, SIFT and MutationTaster) predicts conflicting evidence on protein structure and function for this variant. For these reasons, this variant has been classified as Uncertain Significance.

PreventionGenetics, part of Exact Sciences
Classification: Likely benign for SETX-related condition. Last evaluated: 2022-11-28. Review status: no assertion criteria provided. Collection method: clinical testing. Allele origin: germline. Not counted in ClinVar's aggregate classification.
Comment: This variant is classified as likely benign based on ACMG/AMP sequence variant interpretation guidelines (Richards et al. 2015 PMID: 25741868, with internal and published modifications).

Literature cited by the submitters: PubMed 35052416 (cited by Women's Health and Genetics/Laboratory Corporation of America, LabCorp); PubMed 30220148 (cited by Women's Health and Genetics/Laboratory Corporation of America, LabCorp and Athena Diagnostics); PubMed 29411640 (cited by Ambry Genetics).